The following is an entry in ClinVar:

ClinVar aggregate classification (germline): Uncertain significance. Review status: criteria provided, multiple submitters, no conflicts (2 of 4 stars). 2 submissions from 2 submitters: Uncertain significance (2). Last evaluated 2024-06-05.

Conditions:
Spastic paraplegia. Identifiers: MedGen C0037772, HP:0001258.

Allele frequency attached by ClinVar (database versions not stated): ExAC 0.00001; gnomAD exomes below 0.00001.

Submissions (2):

Labcorp Genetics (formerly Invitae), Labcorp
Classification: Uncertain significance for Spastic paraplegia. Last evaluated: 2024-06-05. Review status: criteria provided, single submitter. Criteria: Invitae Variant Classification Sherloc (09022015). Collection method: clinical testing. Allele origin: germline.
Comment: This variant, c.784_786del, results in the deletion of 1 amino acid(s) of the KDM5C protein (p.Lys262del), but otherwise preserves the integrity of the reading frame. This variant is present in population databases (rs781837284, gnomAD 0.001%), including at least one homozygous and/or hemizygous individual. This variant has not been reported in the literature in individuals affected with KDM5C-related conditions. ClinVar contains an entry for this variant (Variation ID: 1804614). Experimental studies and prediction algorithms are not available or were not evaluated, and the functional significance of this variant is currently unknown. In summary, the available evidence is currently insufficient to determine the role of this variant in disease. Therefore, it has been classified as a Variant of Uncertain Significance.

GeneDx
Classification: Uncertain significance. Last evaluated: 2023-09-27. Review status: criteria provided, single submitter. Criteria: GeneDx Variant Classification Process June 2021. Collection method: clinical testing. Allele origin: germline.
Comment: Not observed at significant frequency in large population cohorts (gnomAD); In-frame deletion of 1 amino acid in a non-repeat region; In silico analysis supports that this variant does not alter protein structure/function; Has not been previously published as pathogenic or benign to our knowledge

NM_004187.5(KDM5C):c.784_786del (p.Lys262del)

Gene: KDM5C (lysine demethylase 5C; minus strand). Cytogenetic location: Xp11.22.
Variant type: Deletion.
Coding change: c.784_786del on transcript NM_004187.5 (MANE Select); coding-DNA positions 784 to 786, 3 bases deleted (AAG; older notation c.784_786delAAG).
Protein change: p.Lys262del; deletes lysine 262.
Molecular consequence: inframe deletion. On other transcripts: non-coding transcript variant (3).
Genome position (GRCh38, 1-based): chrX:53,215,972-53,215,974, CTT deleted on the plus strand (AAG on the coding strand, the reverse complement: KDM5C is on the minus strand). VCF-style (leftmost placement, unchanged base first): chrX-53215971-CCTT-C. GRCh37 (hg19) VCF-style: chrX-53245153-CCTT-C.
Other names: c.583_585del, p.Lys195del (NM_001146702.2); c.781_783del, p.Lys261del (NM_001282622.3, NM_001353979.2, NM_001353982.2); c.784_786del, p.Lys262del (NM_001353978.3, NM_001353981.2, NM_001353984.2); short protein forms K195del, K261del, K262del.
Identifiers: ClinVar variation 1804614 (VCV001804614.4), dbSNP rs781837284, ClinGen allele CA10419620.
Genomic context (GRCh38, chrX:53,215,971, plus strand): 5'-CCTTCACATCCCCACCTAACTCCTCCTTCACCACTACTGTGGGGGGACACTCAGGCCCCT[CCTT>C]ATCTGGGAGAGAGAAAAATGGCTGTAAACACAGGTCTAGGACACTTAGGGCCCTGACTTT-3'